The following is an entry in ClinVar:

ClinVar aggregate classification (germline): Benign/Likely benign. Review status: criteria provided, multiple submitters, no conflicts (2 of 4 stars). 12 submissions from 12 submitters: Benign (5); Likely benign (5). 2 of the submissions do not count toward it. Last evaluated 2026-02-02.

Conditions:
Usher syndrome type 2C. Also called: Usher syndrome, type 2B; USHER SYNDROME, TYPE IIC. Identifiers: Orphanet 231178, Orphanet 886, MedGen C2931213, MONDO:0011558, OMIM 605472.

Allele frequency attached by ClinVar (database versions not stated): ESP Exome Variant Server 0.00845; gnomAD 0.00883 and 0.00957; 1000 Genomes Project 30x 0.00968; TOPMed 0.01033; gnomAD exomes 0.00258; ExAC 0.00294; 1000 Genomes Project 0.00839.
gnomAD v4.1: 2,851 of 1,575,870 alleles (0.18%); highest among the groups gnomAD compares: African/African-American, 3%; 40 homozygotes.

Submissions (12):

Labcorp Genetics (formerly Invitae), Labcorp
Classification: Benign. Last evaluated: 2026-02-02. Review status: criteria provided, single submitter. Criteria: Invitae Variant Classification Sherloc (09022015). Collection method: clinical testing. Allele origin: germline.

Genomic Medicine Center of Excellence, King Faisal Specialist Hospital and Research Centre
Classification: Likely benign. Last evaluated: 2025-08-18. Review status: criteria provided, single submitter. Criteria: ACMG Guidelines, 2015. Collection method: clinical testing. Allele origin: germline.

Athena Diagnostics
Classification: Benign. Last evaluated: 2025-06-20. Review status: criteria provided, single submitter. Criteria: Athena Diagnostics Criteria. Collection method: clinical testing. Allele origin: unknown.
Comment: The frequency of this variant in the general population is higher than would generally be expected for pathogenic variants in this gene.

ARUP Laboratories, Molecular Genetics and Genomics, ARUP Laboratories
Classification: Benign. Last evaluated: 2023-09-21. Review status: criteria provided, single submitter. Criteria: ARUP Molecular Germline Variant Investigation Process 2024. Collection method: clinical testing. Allele origin: germline.

Illumina Laboratory Services, Illumina
Classification: Likely benign for Usher syndrome type 2C. Last evaluated: 2018-01-13. Review status: criteria provided, single submitter. Criteria: ICSL Variant Classification Criteria 13 December 2019. Collection method: clinical testing. Allele origin: germline.
Comment: This variant was observed in the ICSL laboratory as part of a predisposition screen in an ostensibly healthy population. It had not been previously curated by ICSL or reported in the Human Gene Mutation Database (HGMD: prior to June 1st, 2018), and was therefore a candidate for classification through an automated scoring system. Utilizing variant allele frequency, disease prevalence and penetrance estimates, and inheritance mode, an automated score was calculated to assess if this variant is too frequent to cause the disease. Based on the score and internal cut-off values, a variant classified as likely benign is not then subjected to further curation. The score for this variant resulted in a classification of likely benign for this disease.

GeneDx
Classification: Benign. Last evaluated: 2017-11-06. Review status: criteria provided, single submitter. Criteria: GeneDx Variant Classification (06012015). Collection method: clinical testing. Allele origin: germline. Affected: yes.
Comment: This variant is considered likely benign or benign based on one or more of the following criteria: it is a conservative change, it occurs at a poorly conserved position in the protein, it is predicted to be benign by multiple in silico algorithms, and/or has population frequency not consistent with disease.

Center for Pediatric Genomic Medicine, Children's Mercy Hospital and Clinics
Classification: Likely benign. Last evaluated: 2017-02-22. Review status: criteria provided, single submitter. Criteria: ACMG Guidelines, 2015. Collection method: clinical testing. Allele origin: germline.

Genetic Services Laboratory, University of Chicago
Classification: Likely benign. Last evaluated: 2013-08-27. Review status: criteria provided, single submitter. Criteria: ACMG Guidelines, 2007. Collection method: clinical testing. Allele origin: germline. Inheritance: Autosomal dominant inheritance.
Comment: Likely benign based on allele frequency in 1000 Genomes Project or ESP global frequency and its presence in a patient with a rare or unrelated disease phenotype. NOT Sanger confirmed

Laboratory for Molecular Medicine, Mass General Brigham Personalized Medicine
Classification: Benign. Last evaluated: 2012-03-26. Review status: criteria provided, single submitter. Criteria: LMM Criteria. Collection method: clinical testing. Allele origin: germline. Observed: 16 variant alleles.
Comment: c.1839+7G>A in intron 9 of GPR98: This variant is not expected to have clinical significance because it has been identified in 2.8% (82/2974) of African America n chromosomes in a broad population by the NHLBI Exome sequencing project (rs142011700).

Breakthrough Genomics
Classification: Likely benign. Review status: criteria provided, single submitter. Criteria: ACMG Guidelines, 2015. Collection method: not provided. Allele origin: germline. Inheritance: Autosomal recessive inheritance. Affected: yes.

Clinical Genetics, Academic Medical Center
Classification: Benign. Review status: no assertion criteria provided. Collection method: clinical testing. Allele origin: germline. Affected: yes. Study: VKGL Data-share Consensus. Not counted in ClinVar's aggregate classification.

Genome Diagnostics Laboratory, University Medical Center Utrecht
Classification: Benign. Review status: no assertion criteria provided. Collection method: clinical testing. Allele origin: germline. Affected: yes. Study: VKGL Data-share Consensus. Not counted in ClinVar's aggregate classification.

NM_032119.4(ADGRV1):c.1839+7G>A

Gene: ADGRV1 (adhesion G protein-coupled receptor V1; plus strand). Cytogenetic location: 5q14.3.
Variant type: single nucleotide variant.
Coding change: c.1839+7G>A on transcript NM_032119.4 (MANE Select); 7 bases into the intron after coding-DNA position 1839, G replaced by A.
Molecular consequence: intron variant.
Genome position (GRCh38, 1-based): chr5:90,629,546, G>A. VCF-style: chr5-90629546-G-A. GRCh37 (hg19) VCF-style: chr5-89925363-G-A.
Identifiers: ClinVar variation 46297 (VCV000046297.29), dbSNP rs142011700, ClinGen allele CA138078.